The following is an entry in ClinVar:

ClinVar aggregate classification (germline): Uncertain significance (1 of 4 stars; one submission).

Allele frequency attached by ClinVar (database versions not stated): ExAC 0.00001; gnomAD exomes 0.00001; TOPMed 0.00001.
gnomAD v4.1: 17 of 1,611,314 alleles (0.0011%); highest among the groups gnomAD compares: African/African-American, 0.0027%; no homozygotes.

Submission:

Labcorp Genetics (formerly Invitae), Labcorp
Classification: Uncertain significance. Last evaluated: 2024-10-14. Review status: criteria provided, single submitter. Criteria: Invitae Variant Classification Sherloc (09022015). Collection method: clinical testing. Allele origin: germline.
Comment: This sequence change replaces arginine, which is basic and polar, with glutamine, which is neutral and polar, at codon 1073 of the TONSL protein (p.Arg1073Gln). This variant is present in population databases (rs782382088, gnomAD 0.006%). This variant has not been reported in the literature in individuals affected with TONSL-related conditions. Invitae Evidence Modeling of protein sequence and biophysical properties (such as structural, functional, and spatial information, amino acid conservation, physicochemical variation, residue mobility, and thermodynamic stability) has been performed for this missense variant. However, the output from this modeling did not meet the statistical confidence thresholds required to predict the impact of this variant on TONSL protein function. In summary, the available evidence is currently insufficient to determine the role of this variant in disease. Therefore, it has been classified as a Variant of Uncertain Significance.

NM_013432.5(TONSL):c.3218G>A (p.Arg1073Gln)

Gene: TONSL (tonsoku like, DNA repair protein; minus strand). Cytogenetic location: 8q24.3.
Variant type: single nucleotide variant.
Coding change: c.3218G>A on transcript NM_013432.5 (MANE Select); coding-DNA position 3218, G replaced by A.
Protein change: p.Arg1073Gln; replaces arginine 1073 with glutamine.
Molecular consequence: missense variant.
Genome position (GRCh38, 1-based): chr8:144,434,147, C>T on the plus strand (G>A on the coding strand, the complement: TONSL is on the minus strand). VCF-style: chr8-144434147-C-T. GRCh37 (hg19) VCF-style: chr8-145659530-C-T.
Other names: short protein forms R1073Q.
Identifiers: ClinVar variation 2896010 (VCV002896010.3), dbSNP rs782382088, ClinGen allele CA4942566.
Genomic context (GRCh38, chr8:144,434,147, plus strand): 5'-GCAGCCACCAGCTCAGCCACACACTTGTCCCCCAGCCGGTTCCCTGCCAGGCGCAGCTCC[C>T]GGAGTGCTGTGTGCAGCTTGAGGGCCCGCAGCAGGGGTGTAAGCTGGGCCTGGTCCAGGG-3'
Protein context (NP_038460.4, residues 1063-1083): LRALKLHTAL[Arg1073Gln]ELRLAGNRLG